The following is an entry in ClinVar:

ClinVar aggregate classification (germline): Uncertain significance (1 of 4 stars; one submission).

Submission:

GeneDx
Classification: Uncertain significance. Last evaluated: 2019-08-19. Review status: criteria provided, single submitter. Criteria: GeneDx Variant Classification Process June 2021. Collection method: clinical testing. Allele origin: germline. Affected: yes.
Comment: Not observed in large population cohorts (Lek et al., 2016); Has not been previously published as pathogenic or benign to our knowledge

NM_006517.5(SLC16A2):c.985G>A (p.Ala329Thr)

Gene: SLC16A2 (solute carrier family 16 member 2; plus strand). Cytogenetic location: Xq13.2.
Variant type: single nucleotide variant.
Coding change: c.985G>A on transcript NM_006517.5 (MANE Select); coding-DNA position 985, G replaced by A.
Protein change: p.Ala329Thr; replaces alanine 329 with threonine.
Molecular consequence: missense variant.
Genome position (GRCh38, 1-based): chrX:74,524,768, G>A. VCF-style: chrX-74524768-G-A. GRCh37 (hg19) VCF-style: chrX-73744603-G-A.
Other names: short protein forms A329T.
Identifiers: ClinVar variation 1303266 (VCV001303266.2), dbSNP rs2147870696, ClinGen allele CA413657716.